The following is an entry in ClinVar:

ClinVar aggregate classification (germline): Likely pathogenic. Review status: criteria provided, multiple submitters, no conflicts (2 of 4 stars). 2 submissions from 2 submitters: Likely pathogenic (2). Last evaluated 2023-10-09.

Conditions:
Hermansky-Pudlak syndrome 3 (HPS3). Identifiers: Orphanet 231512, Orphanet 79430, MedGen C3888001, MONDO:0013555, OMIM 614072.

Submissions (2):

Baylor Genetics
Classification: Likely pathogenic for Hermansky-Pudlak syndrome 3. Last evaluated: 2023-10-09. Review status: criteria provided, single submitter. Criteria: ACMG Guidelines, 2015. Collection method: clinical testing. Allele origin: unknown.

Juno Genomics, Hangzhou Juno Genomics, Inc
Classification: Likely pathogenic for Hermansky-Pudlak syndrome 3. Review status: criteria provided, single submitter. Criteria: ACMG Guidelines, 2015. Collection method: clinical testing. Allele origin: germline.
Comment: Null variant in a gene where loss of function (LOF) is a known mechanism of disease.;Absent from controls (or at extremely low frequency if recessive) in Genome Aggregation Database.

NM_032383.5(HPS3):c.731C>A (p.Ser244Ter)

Gene: HPS3 (HPS3 biogenesis of lysosomal organelles complex 2 subunit 1; plus strand). Cytogenetic location: 3q24.
Variant type: single nucleotide variant.
Coding change: c.731C>A on transcript NM_032383.5 (MANE Select); coding-DNA position 731, C replaced by A.
Protein change: p.Ser244Ter; replaces serine 244 with a stop codon.
Molecular consequence: nonsense.
Genome position (GRCh38, 1-based): chr3:149,141,035, C>A. VCF-style: chr3-149141035-C-A. GRCh37 (hg19) VCF-style: chr3-148858822-C-A.
Other names: c.236C>A, p.Ser79Ter (NM_001308258.2); short protein forms S244*, S79*.
Identifiers: ClinVar variation 2676069 (VCV002676069.3), dbSNP rs1245464556, ClinGen allele CA354913050.
Genomic context (GRCh38, chr3:149,141,035, plus strand): 5'-AATTTTCATTCAAGCAGGACTGTTACATTTTATTTTTTTAAGGCATCAGTAATGAAATTT[C>A]ACAGCTTGAGTCAGATGATTTTGTCATCTGCCAGAAGCCCCTGGAACTTCTTGGTGAAAA-3'